The following is an entry in ClinVar:

NM_001012339.3(DNAJC21):c.268C>T (p.Arg90Cys)

Gene: DNAJC21 (DnaJ heat shock protein family (Hsp40) member C21; plus strand). Cytogenetic location: 5p13.2.
Variant type: single nucleotide variant.
Coding change: c.268C>T on transcript NM_001012339.3 (MANE Select); coding-DNA position 268, C replaced by T.
Protein change: p.Arg90Cys; replaces arginine 90 with cysteine.
Molecular consequence: missense variant.
Genome position (GRCh38, 1-based): chr5:34,935,786, C>T. VCF-style: chr5-34935786-C-T. GRCh37 (hg19) VCF-style: chr5-34935891-C-T.
Other names: c.268C>T, p.Arg90Cys (NM_001348420.2, NM_194283.4); short protein forms R90C.
Identifiers: ClinVar variation 1469617 (VCV001469617.4), dbSNP rs753741966, ClinGen allele CA3228390.

ClinVar aggregate classification (germline): Uncertain significance (1 of 4 stars; one submission).

Allele frequency attached by ClinVar (database versions not stated): gnomAD exomes 0.00001 and 0.00005; gnomAD 0.00002; ExAC 0.00003; TOPMed 0.00004.
gnomAD v4.1: 21 of 1,613,814 alleles (0.0013%); highest among the groups gnomAD compares: East Asian, 0.025%; no homozygotes.

Submission:

Labcorp Genetics (formerly Invitae), Labcorp
Classification: Uncertain significance. Last evaluated: 2025-03-24. Review status: criteria provided, single submitter. Criteria: Invitae Variant Classification Sherloc (09022015). Collection method: clinical testing. Allele origin: germline.
Comment: This sequence change replaces arginine, which is basic and polar, with cysteine, which is neutral and slightly polar, at codon 90 of the DNAJC21 protein (p.Arg90Cys). This variant is present in population databases (rs753741966, gnomAD 0.05%). This variant has not been reported in the literature in individuals affected with DNAJC21-related conditions. ClinVar contains an entry for this variant (Variation ID: 1469617). An algorithm developed to predict the effect of missense changes on protein structure and function (PolyPhen-2) suggests that this variant is likely to be tolerated. In summary, the available evidence is currently insufficient to determine the role of this variant in disease. Therefore, it has been classified as a Variant of Uncertain Significance.